The following is an entry in ClinVar:

NM_001040142.2(SCN2A):c.3049G>C (p.Val1017Leu)

Gene: SCN2A (sodium voltage-gated channel alpha subunit 2; plus strand). Cytogenetic location: 2q24.3.
Variant type: single nucleotide variant.
Coding change: c.3049G>C on transcript NM_001040142.2 (MANE Select); coding-DNA position 3049, G replaced by C.
Protein change: p.Val1017Leu; replaces valine 1017 with leucine.
Molecular consequence: missense variant.
Genome position (GRCh38, 1-based): chr2:165,354,321, G>C. VCF-style: chr2-165354321-G-C. GRCh37 (hg19) VCF-style: chr2-166210831-G-C.
Other names: c.3049G>C, p.Val1017Leu (NM_001040143.2, NM_001371246.1, NM_001371247.1 and 1 more transcripts); short protein forms V1017L.
Identifiers: ClinVar variation 464905 (VCV000464905.10), dbSNP rs769267899, ClinGen allele CA1940051.

ClinVar aggregate classification (germline): Uncertain significance. Review status: criteria provided, multiple submitters, no conflicts (2 of 4 stars). 3 submissions from 3 submitters: Uncertain significance (3). Last evaluated 2025-01-20.

Conditions:
Episodic ataxia, type 9. Identifiers: MedGen C5394520, MONDO:0030064, OMIM 618924.
Developmental and epileptic encephalopathy, 11 (DEE11). Also called: Early infantile epileptic encephalopathy 11. Identifiers: Orphanet 1934, MedGen C3150987, MONDO:0013388, OMIM 613721.
Seizures, benign familial infantile, 3 (BFIS3). Also called: CONVULSIONS, BENIGN FAMILIAL INFANTILE, 3; Familial neonatal seizures. Identifiers: Orphanet 140927, Orphanet 306, MedGen C1843140, MONDO:0011904, OMIM 607745.

Allele frequency attached by ClinVar (database versions not stated): ExAC 0.00001; gnomAD 0.00001; gnomAD exomes 0.00001; TOPMed 0.00001.
gnomAD v4.1: 5 of 1,613,868 alleles (0.00031%); highest among the groups gnomAD compares: Admixed American, 0.0083%; no homozygotes.

Submissions (3):

Labcorp Genetics (formerly Invitae), Labcorp
Classification: Uncertain significance for Seizures, benign familial infantile, 3; Developmental and epileptic encephalopathy, 11. Last evaluated: 2025-01-20. Review status: criteria provided, single submitter. Criteria: Invitae Variant Classification Sherloc (09022015). Collection method: clinical testing. Allele origin: germline.
Comment: This sequence change replaces valine, which is neutral and non-polar, with leucine, which is neutral and non-polar, at codon 1017 of the SCN2A protein (p.Val1017Leu). This variant is present in population databases (rs769267899, gnomAD 0.009%). This variant has not been reported in the literature in individuals affected with SCN2A-related conditions. ClinVar contains an entry for this variant (Variation ID: 464905). Invitae Evidence Modeling of protein sequence and biophysical properties (such as structural, functional, and spatial information, amino acid conservation, physicochemical variation, residue mobility, and thermodynamic stability) indicates that this missense variant is not expected to disrupt SCN2A protein function with a negative predictive value of 95%. In summary, the available evidence is currently insufficient to determine the role of this variant in disease. Therefore, it has been classified as a Variant of Uncertain Significance.

GeneDx
Classification: Uncertain significance. Last evaluated: 2023-10-11. Review status: criteria provided, single submitter. Criteria: GeneDx Variant Classification Process June 2021. Collection method: clinical testing. Allele origin: germline. Affected: yes.
Comment: Missense variants in this gene are a common cause of disease and they are underrepresented in the general population; In silico analysis supports that this missense variant does not alter protein structure/function; This substitution is predicted to be in the cytoplasmic loop between the second and third homologous domains; Has not been previously published as pathogenic or benign to our knowledge

Fulgent Genetics
Classification: Uncertain significance for Seizures, benign familial infantile, 3; Developmental and epileptic encephalopathy, 11; Episodic ataxia, type 9. Last evaluated: 2022-01-06. Review status: criteria provided, single submitter. Criteria: ACMG Guidelines, 2015. Collection method: clinical testing. Allele origin: unknown.